The following is an entry in ClinVar:

NM_024529.5(CDC73):c.505C>T (p.Gln169Ter)

Gene: CDC73 (cell division cycle 73; plus strand). Cytogenetic location: 1q31.2.
Variant type: single nucleotide variant.
Coding change: c.505C>T on transcript NM_024529.5 (MANE Select); coding-DNA position 505, C replaced by T.
Protein change: p.Gln169Ter; replaces glutamine 169 with a stop codon.
Molecular consequence: nonsense.
Genome position (GRCh38, 1-based): chr1:193,138,166, C>T. VCF-style: chr1-193138166-C-T. GRCh37 (hg19) VCF-style: chr1-193107296-C-T.
Other names: short protein forms Q169*.
Identifiers: ClinVar variation 462764 (VCV000462764.7), dbSNP rs1553279088, ClinGen allele CA343961378.
Genomic context (GRCh38, chr1:193,138,166, plus strand): 5'-GATAAAGAGAGATTGGCTGCCCGTTTGGAGGGTCACAAAGAAGGGATTGTACAGACTGAA[C>T]AGATTAGGTAAGAATTCTTTTTAAGTAGAAAGTAGGTAGTTTAGATATATGTAAAAGTAT-3'

ClinVar aggregate classification (germline): Pathogenic (1 of 4 stars; one submission).

Conditions:
Parathyroid carcinoma (PRTC). Also called: CDC73-Related Parathyroid Carcinoma; Parathyroid gland carcinoma. Identifiers: Orphanet 143, MedGen C0687150, MONDO:0012004, OMIM 608266, HP:0006780.

Submission:

Labcorp Genetics (formerly Invitae), Labcorp
Classification: Pathogenic for Parathyroid carcinoma. Last evaluated: 2017-01-03. Review status: criteria provided, single submitter. Criteria: Invitae Variant Classification Sherloc (09022015). Collection method: clinical testing. Allele origin: germline.
Comment: For these reasons, this variant has been classified as Pathogenic. Loss-of-function variants in CDC73 are known to be pathogenic. This particular variant has been reported to segregate with hyperparathyroidism in one family (PMID: 24121387). This sequence change creates a premature translational stop signal at codon 169 (p.Gln169*) of the CDC73 gene. It is expected to result in an absent or disrupted protein product.

Literature cited by the submitters: PubMed 24121387.